The following is an entry in ClinVar:

ClinVar aggregate classification (germline): Likely benign (1 of 4 stars; one submission).

Conditions:
Familial cancer of breast. Also called: BREAST CANCER, FAMILIAL; Hereditary breast cancer; hereditary breast carcinoma. Identifiers: Orphanet 227535, MedGen C0346153, MONDO:0016419, OMIM 114480. Disease mechanism: loss of function.

Allele frequency attached by ClinVar (database versions not stated): gnomAD 0.00001.
gnomAD v4.1: 1 of 1,612,508 alleles (0.000062%); highest among the groups gnomAD compares: African/African-American, 0.0013%; no homozygotes.

Submission:

Myriad Genetics, Inc.
Classification: Likely benign for Familial cancer of breast. Last evaluated: 2024-05-07. Review status: criteria provided, single submitter. Criteria: Myriad Autosomal Dominant, Autosomal Recessive and X-Linked Classification Criteria (2023). Collection method: clinical testing. Allele origin: unknown.
Comment: This variant is considered likely benign. This variant is intronic and is not expected to impact mRNA splicing.

NM_000051.4(ATM):c.2124+3G>A

Gene: ATM (ATM serine/threonine kinase; plus strand). Cytogenetic location: 11q22.3.
Variant type: single nucleotide variant.
Coding change: c.2124+3G>A on transcript NM_000051.4 (MANE Select); 3 bases into the intron after coding-DNA position 2124, G replaced by A.
Molecular consequence: intron variant.
Genome position (GRCh38, 1-based): chr11:108,254,042, G>A. VCF-style: chr11-108254042-G-A. GRCh37 (hg19) VCF-style: chr11-108124769-G-A.
Other names: c.2124+3G>A (NM_001351834.2).
Identifiers: ClinVar variation 3253939 (VCV003253939.1), dbSNP rs1193263660.